The following is an entry in ClinVar:

ClinVar aggregate classification (germline): Uncertain significance. Review status: criteria provided, multiple submitters, no conflicts (2 of 4 stars). 3 submissions from 3 submitters: Uncertain significance (3). Last evaluated 2022-07-12.

Conditions:
Inborn genetic diseases. Identifiers: MedGen C0950123, MeSH D030342.

Allele frequency attached by ClinVar (database versions not stated): ExAC 0.00001; TOPMed 0.00005; gnomAD 0.00006.
gnomAD v4.1: 28 of 1,610,530 alleles (0.0017%); highest among the groups gnomAD compares: Admixed American, 0.042%; no homozygotes.

Submissions (3):

Labcorp Genetics (formerly Invitae), Labcorp
Classification: Uncertain significance. Last evaluated: 2022-07-12. Review status: criteria provided, single submitter. Criteria: Invitae Variant Classification Sherloc (09022015). Collection method: clinical testing. Allele origin: germline.
Comment: This sequence change replaces threonine, which is neutral and polar, with lysine, which is basic and polar, at codon 1989 of the MPDZ protein (p.Thr1989Lys). This variant is present in population databases (rs750045780, gnomAD 0.02%). This variant has not been reported in the literature in individuals affected with MPDZ-related conditions. ClinVar contains an entry for this variant (Variation ID: 1304061). Algorithms developed to predict the effect of missense changes on protein structure and function are either unavailable or do not agree on the potential impact of this missense change (SIFT: "Deleterious"; PolyPhen-2: "Probably Damaging"; Align-GVGD: "Class C0"). In summary, the available evidence is currently insufficient to determine the role of this variant in disease. Therefore, it has been classified as a Variant of Uncertain Significance.

Ambry Genetics
Classification: Uncertain significance for Inborn genetic diseases. Last evaluated: 2022-03-23. Review status: criteria provided, single submitter. Criteria: Ambry Variant Classification Scheme 2023. Collection method: clinical testing. Allele origin: germline.

GeneDx
Classification: Uncertain significance. Last evaluated: 2020-05-15. Review status: criteria provided, single submitter. Criteria: GeneDx Variant Classification Process June 2021. Collection method: clinical testing. Allele origin: germline. Affected: yes.
Comment: In silico analysis supports that this missense variant has a deleterious effect on protein structure/function; Has not been previously published as pathogenic or benign to our knowledge

NM_001378778.1(MPDZ):c.6053C>A (p.Thr2018Lys)

Gene: MPDZ (multiple PDZ domain crumbs cell polarity complex component; minus strand). Cytogenetic location: 9p23.
Variant type: single nucleotide variant.
Coding change: c.6053C>A on transcript NM_001378778.1 (MANE Select); coding-DNA position 6053, C replaced by A.
Protein change: p.Thr2018Lys; replaces threonine 2018 with lysine.
Molecular consequence: missense variant.
Genome position (GRCh38, 1-based): chr9:13,108,949, G>T on the plus strand (C>A on the coding strand, the complement: MPDZ is on the minus strand). VCF-style: chr9-13108949-G-T. GRCh37 (hg19) VCF-style: chr9-13108948-G-T.
Other names: c.5867C>A, p.Thr1956Lys (NM_001375419.1, NM_001261407.2); c.5843C>A, p.Thr1948Lys (NM_001375420.1, NM_001375421.1, NM_001375422.1 and 2 more transcripts); c.5756C>A, p.Thr1919Lys (NM_001375425.1, NM_001375426.1); c.5645C>A, p.Thr1882Lys (NM_001375427.1); c.5966C>A, p.Thr1989Lys (NM_003829.5); c.5966C>A (NM_003829.3); c.5954C>A, p.Thr1985Lys (NM_001261406.2, NM_001375416.1, NM_001375417.1 and 1 more transcripts); c.6053C>A, p.Thr2018Lys (NM_001330637.2); and 1 more; short protein forms T1882K, T1919K, T1948K, T1956K, T1985K, T1989K, T2018K, T2051K.
Identifiers: ClinVar variation 1304061 (VCV001304061.6), dbSNP rs750045780, ClinGen allele CA4985986.